The following is an entry in ClinVar:

NM_005869.4(CWC27):c.1004T>C (p.Val335Ala)

Gene: CWC27 (CWC27 spliceosome associated cyclophilin; plus strand). Cytogenetic location: 5q12.3.
Variant type: single nucleotide variant.
Coding change: c.1004T>C on transcript NM_005869.4 (MANE Select); coding-DNA position 1004, T replaced by C.
Protein change: p.Val335Ala; replaces valine 335 with alanine.
Molecular consequence: missense variant.
Genome position (GRCh38, 1-based): chr5:64,885,508, T>C. VCF-style: chr5-64885508-T-C. GRCh37 (hg19) VCF-style: chr5-64181335-T-C.
Other names: c.1004T>C, p.Val335Ala (NM_001297644.1, NM_001364478.1); short protein forms V335A.
Identifiers: ClinVar variation 1348259 (VCV001348259.8), dbSNP rs199774142, ClinGen allele CA120327835.
Genomic context (GRCh38, chr5:64,885,508, plus strand): 5'-AGCTCAGAAAAGAAGCAAGACAATTAAAACGGGAACTCTTAGCAGCAAAACAAAAAAAAG[T>C]AGAAAATGCAGCAAAACAAGCAGAAAAAAGAAGTGAAGGTAAGGGCATTTATCACGCTTA-3'
Protein context (NP_005860.2, residues 325-345): RELLAAKQKK[Val335Ala]ENAAKQAEKR

ClinVar aggregate classification (germline): Uncertain significance (1 of 4 stars; one submission).

gnomAD v4.1: 1 of 1,607,004 alleles (0.000062%); no homozygotes.

Submission:

Labcorp Genetics (formerly Invitae), Labcorp
Classification: Uncertain significance. Last evaluated: 2026-01-05. Review status: criteria provided, single submitter. Criteria: Invitae Variant Classification Sherloc (09022015). Collection method: clinical testing. Allele origin: germline.
Comment: This sequence change replaces valine, which is neutral and non-polar, with alanine, which is neutral and non-polar, at codon 335 of the CWC27 protein (p.Val335Ala). This variant is not present in population databases (gnomAD no frequency). This variant has not been reported in the literature in individuals affected with CWC27-related conditions. ClinVar contains an entry for this variant (Variation ID: 1348259). An algorithm developed to predict the effect of missense changes on protein structure and function outputs the following: PolyPhen-2: "Benign". The alanine amino acid residue is found in multiple mammalian species, which suggests that this missense change does not adversely affect protein function. In summary, the available evidence is currently insufficient to determine the role of this variant in disease. Therefore, it has been classified as a Variant of Uncertain Significance.